The following is an entry in ClinVar:

NM_001040142.2(SCN2A):c.4925G>C (p.Gly1642Ala)

Gene: SCN2A (sodium voltage-gated channel alpha subunit 2; plus strand). Cytogenetic location: 2q24.3.
Variant type: single nucleotide variant.
Coding change: c.4925G>C on transcript NM_001040142.2 (MANE Select); coding-DNA position 4925, G replaced by C.
Protein change: p.Gly1642Ala; replaces glycine 1642 with alanine.
Molecular consequence: missense variant.
Genome position (GRCh38, 1-based): chr2:165,388,731, G>C. VCF-style: chr2-165388731-G-C. GRCh37 (hg19) VCF-style: chr2-166245241-G-C.
Other names: c.4925G>C, p.Gly1642Ala (NM_001040143.2, NM_001371246.1, NM_001371247.1 and 1 more transcripts); short protein forms G1642A.
Identifiers: ClinVar variation 2575847 (VCV002575847.2), dbSNP rs1358251663, ClinGen allele CA349037801.

ClinVar aggregate classification (germline): Uncertain significance (1 of 4 stars; one submission).

Allele frequency attached by ClinVar (database versions not stated): TOPMed 0.00001.

Submission:

GeneDx
Classification: Uncertain significance. Last evaluated: 2024-11-14. Review status: criteria provided, single submitter. Criteria: GeneDx Variant Classification Process June 2021. Collection method: clinical testing. Allele origin: germline. Affected: yes.
Comment: Not observed at significant frequency in large population cohorts (gnomAD); In silico analysis supports that this missense variant has a deleterious effect on protein structure/function; Has not been previously published as pathogenic or benign to our knowledge; This substitution is predicted to be within the intracellular loop between the S4 and S5 transmembrane segments of the fourth homologous domain.